The following is an entry in ClinVar:

ClinVar aggregate classification (germline): Uncertain significance. Review status: criteria provided, multiple submitters, no conflicts (2 of 4 stars). 4 submissions from 4 submitters: Uncertain significance (4). Last evaluated 2024-12-07.

Conditions:
Cardiovascular phenotype. Identifiers: MedGen CN230736.
Hypertrophic cardiomyopathy. Also called: HYPERTROPHIC MYOCARDIOPATHY. Identifiers: Orphanet 217569, MedGen C0007194, MeSH D002312, MONDO:0005045, HP:0001639.

Submissions (4):

GeneDx
Classification: Uncertain significance. Last evaluated: 2024-12-07. Review status: criteria provided, single submitter. Criteria: GeneDx Variant Classification Process June 2021. Collection method: clinical testing. Allele origin: germline. Affected: yes.
Comment: Not observed at significant frequency in large population cohorts (gnomAD); In silico analysis supports that this missense variant has a deleterious effect on protein structure/function; Has not been previously published as pathogenic or benign to our knowledge

All of Us Research Program, National Institutes of Health
Classification: Uncertain significance for Hypertrophic cardiomyopathy. Last evaluated: 2024-04-25. Review status: criteria provided, single submitter. Criteria: ACMG Guidelines, 2015. Collection method: clinical testing. Allele origin: germline. Inheritance: Autosomal dominant inheritance. Observed: 1 variant allele, 1 heterozygote.
Comment: This missense variant replaces lysine with glutamic acid at codon 398 of the MYBPC3 protein. Computational prediction tools indicate that this variant has a deleterious impact on protein structure and function. To our knowledge, functional studies have not been reported for this variant. This variant has not been reported in individuals affected with MYBPC3-related disorders in the literature. This variant has not been identified in the general population by the Genome Aggregation Database (gnomAD). The available evidence is insufficient to determine the role of this variant in disease conclusively. Therefore, this variant is classified as a Variant of Uncertain Significance.

This study involves interpretation of variants in research participants for the purpose of population health screening. Participant phenotype was not available at the time of variant classification. Additional details can be found in publication PMID: 35346344, PMCID: PMC8962531

Ambry Genetics
Classification: Uncertain significance for Cardiovascular phenotype. Last evaluated: 2023-11-08. Review status: criteria provided, single submitter. Criteria: Ambry Variant Classification Scheme 2023. Collection method: clinical testing. Allele origin: germline.
Comment: The p.K398E variant (also known as c.1192A>G), located in coding exon 13 of the MYBPC3 gene, results from an A to G substitution at nucleotide position 1192. The lysine at codon 398 is replaced by glutamic acid, an amino acid with similar properties. This amino acid position is highly conserved in available vertebrate species. In addition, this alteration is predicted to be deleterious by in silico analysis. Since supporting evidence is limited at this time, the clinical significance of this alteration remains unclear.

Labcorp Genetics (formerly Invitae), Labcorp
Classification: Uncertain significance for Hypertrophic cardiomyopathy. Last evaluated: 2021-10-23. Review status: criteria provided, single submitter. Criteria: Invitae Variant Classification Sherloc (09022015). Collection method: clinical testing. Allele origin: germline.
Comment: In summary, the available evidence is currently insufficient to determine the role of this variant in disease. Therefore, it has been classified as a Variant of Uncertain Significance. Algorithms developed to predict the effect of missense changes on protein structure and function are either unavailable or do not agree on the potential impact of this missense change (SIFT: "Deleterious"; PolyPhen-2: "Probably Damaging"; Align-GVGD: "Class C0"). This variant has not been reported in the literature in individuals affected with MYBPC3-related conditions. This variant is not present in population databases (ExAC no frequency). This sequence change replaces lysine with glutamic acid at codon 398 of the MYBPC3 protein (p.Lys398Glu). The lysine residue is highly conserved and there is a small physicochemical difference between lysine and glutamic acid.

NM_000256.3(MYBPC3):c.1192A>G (p.Lys398Glu)

Gene: MYBPC3 (myosin binding protein C3; minus strand). Cytogenetic location: 11p11.2.
Variant type: single nucleotide variant.
Coding change: c.1192A>G on transcript NM_000256.3 (MANE Select); coding-DNA position 1192, A replaced by G.
Protein change: p.Lys398Glu; replaces lysine 398 with glutamic acid.
Molecular consequence: missense variant.
Genome position (GRCh38, 1-based): chr11:47,343,523, T>C on the plus strand (A>G on the coding strand, the complement: MYBPC3 is on the minus strand). VCF-style: chr11-47343523-T-C. GRCh37 (hg19) VCF-style: chr11-47365074-T-C.
Other names: short protein forms K398E.
Identifiers: ClinVar variation 848698 (VCV000848698.12), dbSNP rs2095891272, ClinGen allele CA380328663.
Genomic context (GRCh38, chr11:47,343,523, plus strand): 5'-CGAGCCCCCCTCCCCACCCCAGGCTGCACCTGCCGCTCATCTGGATCTCCTGGCCATTCT[T>C]GAGCCATTTGACCTCAGCGTCATGGTCAGCCAGTTCCACGGTCAGCCGGATCTTGTGGCC-3'
Protein context (NP_000247.2, residues 388-408): ADHDAEVKWL[Lys398Glu]NGQEIQMSGS